The following is an entry in ClinVar:

ClinVar aggregate classification (germline): Uncertain significance (1 of 4 stars; one submission).

Conditions:
Cardiovascular phenotype. Identifiers: MedGen CN230736.

gnomAD v4.1: 1 of 1,612,366 alleles (0.000062%); highest among the groups gnomAD compares: African/African-American, 0.0013%; no homozygotes.

Submission:

Ambry Genetics
Classification: Uncertain significance for Cardiovascular phenotype. Last evaluated: 2024-10-24. Review status: criteria provided, single submitter. Criteria: Ambry Variant Classification Scheme 2023. Collection method: clinical testing. Allele origin: germline.
Comment: The p.P771R variant (also known as c.2312C>G), located in coding exon 15 of the SCN10A gene, results from a C to G substitution at nucleotide position 2312. The proline at codon 771 is replaced by arginine, an amino acid with dissimilar properties. This amino acid position is conserved. In addition, this alteration is predicted to be deleterious by in silico analysis. Based on the available evidence, the clinical significance of this variant remains unclear.

NM_006514.4(SCN10A):c.2312C>G (p.Pro771Arg)

Gene: SCN10A (sodium voltage-gated channel alpha subunit 10; minus strand). Cytogenetic location: 3p22.2.
Variant type: single nucleotide variant.
Coding change: c.2312C>G on transcript NM_006514.4 (MANE Select); coding-DNA position 2312, C replaced by G.
Protein change: p.Pro771Arg; replaces proline 771 with arginine.
Molecular consequence: missense variant.
Genome position (GRCh38, 1-based): chr3:38,728,870, G>C on the plus strand (C>G on the coding strand, the complement: SCN10A is on the minus strand). VCF-style: chr3-38728870-G-C. GRCh37 (hg19) VCF-style: chr3-38770361-G-C.
Other names: c.2312C>G, p.Pro771Arg (NM_001293306.2); c.2018C>G, p.Pro673Arg (NM_001293307.2); short protein forms P673R, P771R.
Identifiers: ClinVar variation 3438131 (VCV003438131.1).
Genomic context (GRCh38, chr3:38,728,870, plus strand): 5'-GTGAGGTTCCCCAGTGCCCCCACTGAGTTTCCGATGATCTTGATGAGTGTGTTTAAGGTG[G>C]GCCAGGATTTGGCCAGCTTGAATACGCGCAGCTGCAGAGAAACAGAGACCGTCAGGTTTT-3'
Protein context (NP_006505.4, residues 761-781): LRVFKLAKSW[Pro771Arg]TLNTLIKIIG